The following is an entry in ClinVar:

ClinVar aggregate classification (germline): Likely pathogenic (1 of 4 stars; one submission).

Conditions:
Combined immunodeficiency due to LRBA deficiency. Also called: Common variable immunodeficiency 8, with autoimmunity. Identifiers: Orphanet 445018, MedGen C3553512, MONDO:0013863, OMIM 614700.

gnomAD v4.1: 7 of 1,606,666 alleles (0.00044%); highest among the groups gnomAD compares: Non-Finnish European, 0.0006%; no homozygotes.

Submission:

Labcorp Genetics (formerly Invitae), Labcorp
Classification: Likely pathogenic for Combined immunodeficiency due to LRBA deficiency. Last evaluated: 2025-08-03. Review status: criteria provided, single submitter. Criteria: Invitae Variant Classification Sherloc (09022015). Collection method: clinical testing. Allele origin: germline.
Comment: This sequence change affects an acceptor splice site in intron 29 of the LRBA gene. It is expected to disrupt RNA splicing. Variants that disrupt the donor or acceptor splice site typically lead to a loss of protein function (PMID: 16199547), and loss-of-function variants in LRBA are known to be pathogenic (PMID: 26206937, 26768763). This variant is present in population databases (rs779256984, gnomAD 0.006%). This variant has not been reported in the literature in individuals affected with LRBA-related conditions. Algorithms developed to predict the effect of sequence changes on RNA splicing suggest that this variant may disrupt the consensus splice site. In summary, the currently available evidence indicates that the variant is pathogenic, but additional data are needed to prove that conclusively. Therefore, this variant has been classified as Likely Pathogenic.

Literature cited by the submitters: PubMed 16199547; PubMed 26206937; PubMed 26768763.

NM_001364905.1(LRBA):c.4730-2A>G

Gene: LRBA (LPS responsive beige-like anchor protein; minus strand). Cytogenetic location: 4q31.3.
Variant type: single nucleotide variant.
Coding change: c.4730-2A>G on transcript NM_001364905.1 (MANE Select); the canonical splice acceptor site of the intron before coding-DNA position 4730, A replaced by G.
Molecular consequence: splice acceptor variant.
Genome position (GRCh38, 1-based): chr4:150,828,623, T>C on the plus strand (A>G on the coding strand, the complement: LRBA is on the minus strand). VCF-style: chr4-150828623-T-C. GRCh37 (hg19) VCF-style: chr4-151749775-T-C.
Other names: c.4730-2A>G (NM_001367550.1, NM_006726.5, NM_001199282.3 and 2 more transcripts).
Identifiers: ClinVar variation 4690399 (VCV004690399.1).
Genomic context (GRCh38, chr4:150,828,623, plus strand): 5'-GCTTTCAGATTCTTCCACTGATGCCGTAGTTAAAGTGCTGAATGCTGCTGGTGTGATTTC[T>C]ATATCATACCCAGAAACACAAGAAATAAACAAACAAAAGTTTAGAACTAATTTTTAAAAG-3'